The following is an entry in ClinVar:

NM_000465.4(BARD1):c.1895A>T (p.Lys632Ile)

Gene: BARD1 (BRCA1 associated RING domain 1; minus strand). Cytogenetic location: 2q35.
Variant type: single nucleotide variant.
Coding change: c.1895A>T on transcript NM_000465.4 (MANE Select); coding-DNA position 1895, A replaced by T.
Protein change: p.Lys632Ile; replaces lysine 632 with isoleucine.
Molecular consequence: missense variant. On other transcripts: non-coding transcript variant (3), intron variant (1).
Genome position (GRCh38, 1-based): chr2:214,745,075, T>A on the plus strand (A>T on the coding strand, the complement: BARD1 is on the minus strand). VCF-style: chr2-214745075-T-A. GRCh37 (hg19) VCF-style: chr2-215609799-T-A.
Other names: c.1838A>T, p.Lys613Ile (NM_001282543.2); c.542A>T, p.Lys181Ile (NM_001282545.2); c.485A>T, p.Lys162Ile (NM_001282548.2); c.365-14567A>T (NM_001282549.2); short protein forms K181I, K613I, K632I, K162I.
Identifiers: ClinVar variation 3479737 (VCV003479737.1).

ClinVar aggregate classification (germline): Uncertain significance (1 of 4 stars; one submission).

Conditions:
Hereditary cancer-predisposing syndrome. Also called: Tumor predisposition; Neoplastic Syndromes, Hereditary; Hereditary neoplastic syndrome; Hereditary Cancer Syndrome. Identifiers: Orphanet 140162, MedGen C0027672, MeSH D009386, MONDO:0015356.

Submission:

Ambry Genetics
Classification: Uncertain significance for Hereditary cancer-predisposing syndrome. Last evaluated: 2024-10-28. Review status: criteria provided, single submitter. Criteria: Ambry Variant Classification Scheme 2023. Collection method: clinical testing. Allele origin: germline.
Comment: The p.K632I variant (also known as c.1895A>T), located in coding exon 9 of the BARD1 gene, results from an A to T substitution at nucleotide position 1895. The lysine at codon 632 is replaced by isoleucine, an amino acid with dissimilar properties. This amino acid position is conserved. In addition, the in silico prediction for this alteration is inconclusive. Based on the available evidence, the clinical significance of this variant remains unclear.